The following is an entry in ClinVar:

NM_001278116.2(L1CAM):c.1841C>T (p.Pro614Leu)

Gene: L1CAM (L1 cell adhesion molecule; minus strand). Cytogenetic location: Xq28.
Variant type: single nucleotide variant.
Coding change: c.1841C>T on transcript NM_001278116.2 (MANE Select); coding-DNA position 1841, C replaced by T.
Protein change: p.Pro614Leu; replaces proline 614 with leucine.
Molecular consequence: missense variant.
Genome position (GRCh38, 1-based): chrX:153,867,898, G>A on the plus strand (C>T on the coding strand, the complement: L1CAM is on the minus strand). VCF-style: chrX-153867898-G-A. GRCh37 (hg19) VCF-style: chrX-153133353-G-A.
Other names: c.1841C>T, p.Pro614Leu (NM_000425.5, NM_024003.3); c.1826C>T, p.Pro609Leu (NM_001143963.2); short protein forms P609L, P614L.
Identifiers: ClinVar variation 1309181 (VCV001309181.7), dbSNP rs1557091552, ClinGen allele CA415123008.
Genomic context (GRCh38, chrX:153,867,898, plus strand): 5'-GACACGCGCACCTGGCTCTGCGTCAGCAGGTGCAGGTCGGACAGCACCAGCCGTGGCACC[G>A]GCCCAGGGCTCCCTGAGGGTGGGGAGGGTCGGTGCTTGAAAGGGCCCAGGGATGTGAGCC-3'
Protein context (NP_001265045.1, residues 604-624): AQLLVVGSPG[Pro614Leu]VPRLVLSDLH

ClinVar aggregate classification (germline): Conflicting classifications of pathogenicity. Review status: criteria provided, conflicting classifications (1 of 4 stars). 3 submissions from 3 submitters: Uncertain significance (2); Likely benign (1). Last evaluated 2022-10-14.

Conditions:
Spastic paraplegia. Identifiers: MedGen C0037772, HP:0001258.

Allele frequency attached by ClinVar (database versions not stated): gnomAD exomes 0.00001.
gnomAD v4.1: 8 of 1,210,391 alleles (0.00066%); highest among the groups gnomAD compares: East Asian, 0.0059%; no homozygotes.

Submissions (3):

Labcorp Genetics (formerly Invitae), Labcorp
Classification: Likely benign for Spastic paraplegia. Last evaluated: 2022-10-14. Review status: criteria provided, single submitter. Criteria: Invitae Variant Classification Sherloc (09022015). Collection method: clinical testing. Allele origin: germline.

Blueprint Genetics
Classification: Uncertain significance. Last evaluated: 2020-02-13. Review status: criteria provided, single submitter. Criteria: ACMG Guidelines, 2015. Collection method: clinical testing. Allele origin: germline.

GeneDx
Classification: Uncertain significance. Last evaluated: 2019-10-11. Review status: criteria provided, single submitter. Criteria: GeneDx Variant Classification Process June 2021. Collection method: clinical testing. Allele origin: germline. Affected: yes.
Comment: Not observed at a significant frequency in large population cohorts (Lek et al., 2016); In silico analysis, which includes protein predictors and evolutionary conservation, supports a deleterious effect; Has not been previously published as pathogenic or benign to our knowledge